The following is an entry in ClinVar:

NM_018489.3(ASH1L):c.293A>G (p.Lys98Arg)

Gene: ASH1L (ASH1 like histone lysine methyltransferase; minus strand). Cytogenetic location: 1q22.
Variant type: single nucleotide variant.
Coding change: c.293A>G on transcript NM_018489.3 (MANE Select); coding-DNA position 293, A replaced by G.
Protein change: p.Lys98Arg; replaces lysine 98 with arginine.
Molecular consequence: missense variant.
Genome position (GRCh38, 1-based): chr1:155,521,227, T>C on the plus strand (A>G on the coding strand, the complement: ASH1L is on the minus strand). VCF-style: chr1-155521227-T-C. GRCh37 (hg19) VCF-style: chr1-155491018-T-C.
Other names: c.293A>G, p.Lys98Arg (NM_001366177.2); short protein forms K98R.
Identifiers: ClinVar variation 3383137 (VCV003383137.2).

ClinVar aggregate classification (germline): Uncertain significance (1 of 4 stars; one submission).

Conditions:
Intellectual developmental disorder, autosomal dominant 52. Also called: Intellectual disability, autosomal dominant 52; Mental retardation, autosomal dominant 52. Identifiers: MedGen C4540478, MONDO:0030918, OMIM 617796.

Submission:

Juno Genomics, Hangzhou Juno Genomics, Inc
Classification: Uncertain significance for Intellectual developmental disorder, autosomal dominant 52. Review status: criteria provided, single submitter. Criteria: ACMG Guidelines, 2015. Collection method: clinical testing. Allele origin: germline. Affected: yes.
Comment: Absent from controls (or at extremely low frequency if recessive) in Genome Aggregation Database, Exome Sequencing Project, 1000 Genomes Project, or Exome Aggregation Consortium.;Missense variant in a gene that has a low rate of benign missense variation and where missense variants are a common mechanism of disease.